The following is an entry in ClinVar:

ClinVar aggregate classification (germline): Uncertain significance (1 of 4 stars; one submission).

Conditions:
Bardet-Biedl syndrome (BBS). Identifiers: Orphanet 110, MedGen C0752166, MONDO:0015229.

Allele frequency attached by ClinVar (database versions not stated): ExAC 0.00001; gnomAD 0.00003.
gnomAD v4.1: 5 of 1,614,098 alleles (0.00031%); highest among the groups gnomAD compares: Non-Finnish European, 0.00042%; no homozygotes.

Submissions (3):

Labcorp Genetics (formerly Invitae), Labcorp
Classification: Uncertain significance for Bardet-Biedl syndrome. Last evaluated: 2022-07-06. Review status: criteria provided, single submitter. Criteria: Invitae Variant Classification Sherloc (09022015). Collection method: clinical testing. Allele origin: germline.
Comment: This sequence change affects codon 160 of the BBS1 mRNA. It is a 'silent' change, meaning that it does not change the encoded amino acid sequence of the BBS1 protein. It affects a nucleotide within the consensus splice site. This variant is present in population databases (rs781144584, gnomAD 0.002%). This variant has not been reported in the literature in individuals affected with BBS1-related conditions. Algorithms developed to predict the effect of sequence changes on RNA splicing suggest that this variant is not likely to affect RNA splicing. In summary, the available evidence is currently insufficient to determine the role of this variant in disease. Therefore, it has been classified as a Variant of Uncertain Significance.

Dr. Peter K. Rogan Lab, Western University
No classification provided (evidence only). Condition: Melanoma. Review status: no classification provided. Collection method: in vitro. Allele origin: not applicable. Functional consequence: retained intron. Not counted in ClinVar's aggregate classification.

Dr. Peter K. Rogan Lab, Western University
No classification provided (evidence only). Condition: Nonpapillary renal cell carcinoma. Review status: no classification provided. Collection method: in vitro. Allele origin: not applicable. Functional consequence: retained intron. Not counted in ClinVar's aggregate classification.

NM_024649.5(BBS1):c.480G>T (p.Arg160=)

Gene: BBS1 (Bardet-Biedl syndrome 1; plus strand). Cytogenetic location: 11q13.2.
Variant type: single nucleotide variant.
Coding change: c.480G>T on transcript NM_024649.5 (MANE Select); coding-DNA position 480, G replaced by T.
Protein change: p.Arg160=; no amino-acid change (arginine 160 retained).
Molecular consequence: synonymous variant.
Genome position (GRCh38, 1-based): chr11:66,515,693, G>T. VCF-style: chr11-66515693-G-T. GRCh37 (hg19) VCF-style: chr11-66283164-G-T.
Identifiers: ClinVar variation 1984558 (VCV001984558.2), dbSNP rs781144584, ClinGen allele CA6123380.
Genomic context (GRCh38, chr11:66,515,693, plus strand): 5'-ATCTGAGCCCCAGGGCCCCATTCTTCCATTCGGCTGCCATGCTGGCCCCTTTCCTTGCAG[G>T]GAGACGGCAGAGGAGCCTTTGTCCATCCAGTCACTCAGGTAAGGACCCTGTGGAGGGCCA-3'
Protein context (NP_078925.3, residues 150-170): LTLKEMLESI[Arg160=]ETAEEPLSIQ